The following is an entry in ClinVar:

ClinVar aggregate classification (germline): Uncertain significance. Review status: criteria provided, multiple submitters, no conflicts (2 of 4 stars). 3 submissions from 3 submitters: Uncertain significance (3). Last evaluated 2025-07-10.

Allele frequency attached by ClinVar (database versions not stated): TOPMed 0.00001; gnomAD 0.00002 and 0.00003; gnomAD exomes 0.00004 and 0.00007; ExAC 0.00008; 1000 Genomes Project 30x 0.00031; 1000 Genomes Project 0.00040.
gnomAD v4.1: 100 of 1,611,634 alleles (0.0062%); highest among the groups gnomAD compares: Non-Finnish European, 0.0082%; no homozygotes.

Submissions (3):

Labcorp Genetics (formerly Invitae), Labcorp
Classification: Uncertain significance. Last evaluated: 2025-07-10. Review status: criteria provided, single submitter. Criteria: Invitae Variant Classification Sherloc (09022015). Collection method: clinical testing. Allele origin: germline.
Comment: This sequence change replaces threonine, which is neutral and polar, with serine, which is neutral and polar, at codon 740 of the ACAN protein (p.Thr740Ser). This variant is present in population databases (rs571888451, gnomAD 0.008%). This missense change has been observed in individual(s) with short stature and mild skeletal defects (PMID: 29464738). ClinVar contains an entry for this variant (Variation ID: 1316270). Invitae Evidence Modeling of protein sequence and biophysical properties (such as structural, functional, and spatial information, amino acid conservation, physicochemical variation, residue mobility, and thermodynamic stability) indicates that this missense variant is not expected to disrupt ACAN protein function with a negative predictive value of 80%. In summary, the available evidence is currently insufficient to determine the role of this variant in disease. Therefore, it has been classified as a Variant of Uncertain Significance.

Blueprint Genetics
Classification: Uncertain significance. Last evaluated: 2024-09-06. Review status: criteria provided, single submitter. Criteria: ACMG Guidelines, 2015. Collection method: clinical testing. Allele origin: germline.

GeneDx
Classification: Uncertain significance. Last evaluated: 2019-08-07. Review status: criteria provided, single submitter. Criteria: GeneDx Variant Classification Process June 2021. Collection method: clinical testing. Allele origin: germline. Affected: yes.
Comment: In silico analysis, which includes protein predictors and evolutionary conservation, supports a deleterious effect; Identified in a patient with short stature, frontal bossing, midface hypoplasia, high arched palate, epicanthus, and brachydactyly in published literature (Sentchordi-Montane et al., 2018); This variant is associated with the following publications: (PMID: 29464738)

Literature cited by the submitters: PubMed 29464738 (cited by Labcorp Genetics (formerly Invitae), Labcorp).

NM_001369268.1(ACAN):c.2218A>T (p.Thr740Ser)

Gene: ACAN (aggrecan; plus strand). Cytogenetic location: 15q26.1.
Variant type: single nucleotide variant.
Coding change: c.2218A>T on transcript NM_001369268.1 (MANE Select); coding-DNA position 2218, A replaced by T.
Protein change: p.Thr740Ser; replaces threonine 740 with serine.
Molecular consequence: missense variant.
Genome position (GRCh38, 1-based): chr15:88,851,985, A>T. VCF-style: chr15-88851985-A-T. GRCh37 (hg19) VCF-style: chr15-89395216-A-T.
Other names: c.2218A>T, p.Thr740Ser (NM_001135.4, NM_013227.4); short protein forms T740S.
Identifiers: ClinVar variation 1316270 (VCV001316270.4), dbSNP rs571888451, ClinGen allele CA7719820.